The following is an entry in ClinVar:

NM_001365276.2(TNXB):c.6903dup (p.Ile2302fs)

Gene: TNXB (tenascin XB; minus strand). Cytogenetic location: 6p21.33.
Variant type: Duplication.
Coding change: c.6903dup on transcript NM_001365276.2 (MANE Select); coding-DNA position 6903, one base duplicated (C; older notation c.6903dupC).
Protein change: p.Ile2302fs; shifts the reading frame from isoleucine 2302.
Molecular consequence: frameshift variant.
Genome position (GRCh38, 1-based): chr6:32,062,422, G duplicated on the plus strand (C on the coding strand, the reverse complement: TNXB is on the minus strand); the first of 6 consecutive G bases (chr6:32,062,422-32,062,427); duplicating any one gives the same sequence. VCF-style (leftmost placement, unchanged base first): chr6-32062421-T-TG. GRCh37 (hg19) VCF-style: chr6-32030198-T-TG.
Other names: c.7644dup, p.Ile2549fs (NM_001428335.1); c.6903dup, p.Ile2302fs (NM_019105.8); short protein forms I2302fs, I2549fs.
Identifiers: ClinVar variation 3906210 (VCV003906210.2).

ClinVar aggregate classification (germline): Pathogenic (1 of 4 stars; one submission).

Conditions:
Ehlers-Danlos syndrome due to tenascin-X deficiency (EDSCLL1). Also called: EHLERS-DANLOS SYNDROME, CLASSIC-LIKE; Ehlers-Danlos syndrome, classic-like, 1; TNXB-Related Classical-Like Ehlers-Danlos Syndrome; EDS DUE TO TNX DEFICIENCY; TNX DEFICIENCY. Identifiers: Orphanet 230839, MedGen C1848029, MONDO:0011670, OMIM 606408.

Submission:

Myriad Genetics, Inc.
Classification: Pathogenic for Ehlers-Danlos syndrome due to tenascin-X deficiency. Last evaluated: 2025-09-01. Review status: criteria provided, single submitter. Criteria: Myriad Autosomal Dominant, Autosomal Recessive and X-Linked Classification Criteria (2023). Collection method: clinical testing. Allele origin: unknown.
Comment: NM_019105.6(TNXB):c.6903dupC(I2302Hfs*16) is expected to be pathogenic in the context of classical-like Ehlers-Danlos syndrome, TNXB-related. This variant is predicted to lead to an abnormal or absent protein product due to the creation of a premature termination codon in TNXB, a gene where loss-of-function variants are known to be pathogenic. Please note: this variant was assessed in the context of healthy population screening.